The following is an entry in ClinVar:

ClinVar aggregate classification (germline): Uncertain significance (1 of 4 stars; one submission).

Allele frequency attached by ClinVar (database versions not stated): gnomAD 0.00001; gnomAD exomes 0.00001.
gnomAD v4.1: 11 of 1,614,084 alleles (0.00068%); highest among the groups gnomAD compares: Non-Finnish European, 0.00076%; no homozygotes.

Submission:

GeneDx
Classification: Uncertain significance. Last evaluated: 2023-10-03. Review status: criteria provided, single submitter. Criteria: GeneDx Variant Classification Process June 2021. Collection method: clinical testing. Allele origin: germline. Affected: yes.
Comment: Not observed at significant frequency in large population cohorts (gnomAD); In silico analysis supports that this missense variant has a deleterious effect on protein structure/function; Has not been previously published as pathogenic or benign to our knowledge

NM_004519.4(KCNQ3):c.588G>T (p.Lys196Asn)

Gene: KCNQ3 (potassium voltage-gated channel subfamily Q member 3; minus strand). Cytogenetic location: 8q24.22.
Variant type: single nucleotide variant.
Coding change: c.588G>T on transcript NM_004519.4 (MANE Select); coding-DNA position 588, G replaced by T.
Protein change: p.Lys196Asn; replaces lysine 196 with asparagine.
Molecular consequence: missense variant.
Genome position (GRCh38, 1-based): chr8:132,184,257, C>A on the plus strand (G>T on the coding strand, the complement: KCNQ3 is on the minus strand). VCF-style: chr8-132184257-C-A. GRCh37 (hg19) VCF-style: chr8-133196504-C-A.
Other names: c.228G>T, p.Lys76Asn (NM_001204824.2); short protein forms K196N, K76N.
Identifiers: ClinVar variation 2662424 (VCV002662424.1), dbSNP rs971920539, ClinGen allele CA372291062.